The following is an entry in ClinVar:

ClinVar aggregate classification (germline): Uncertain significance (1 of 4 stars; one submission).

Conditions:
Holoprosencephaly 5 (HPE5). Identifiers: Orphanet 2162, MedGen C1864827, MONDO:0012322, OMIM 609637.

gnomAD v4.1: 4 of 1,561,836 alleles (0.00026%); highest among the groups gnomAD compares: Non-Finnish European, 0.00035%; no homozygotes.

Submission:

Labcorp Genetics (formerly Invitae), Labcorp
Classification: Uncertain significance for Holoprosencephaly 5. Last evaluated: 2021-08-08. Review status: criteria provided, single submitter. Criteria: Invitae Variant Classification Sherloc (09022015). Collection method: clinical testing. Allele origin: germline.
Comment: In summary, the available evidence is currently insufficient to determine the role of this variant in disease. Therefore, it has been classified as a Variant of Uncertain Significance. Algorithms developed to predict the effect of missense changes on protein structure and function are either unavailable or do not agree on the potential impact of this missense change (SIFT: "Deleterious"; PolyPhen-2: "Possibly Damaging"; Align-GVGD: "Class C0"). This variant has not been reported in the literature in individuals with ZIC2-related conditions. The frequency data for this variant in the population databases is considered unreliable, as metrics indicate insufficient coverage at this position in the ExAC database. This sequence change replaces histidine with glutamine at codon 169 of the ZIC2 protein (p.His169Gln). The histidine residue is highly conserved and there is a small physicochemical difference between histidine and glutamine.

NM_007129.5(ZIC2):c.507C>A (p.His169Gln)

Gene: ZIC2 (Zic family zinc finger 2; plus strand). Cytogenetic location: 13q32.3.
Variant type: single nucleotide variant.
Coding change: c.507C>A on transcript NM_007129.5 (MANE Select); coding-DNA position 507, C replaced by A.
Protein change: p.His169Gln; replaces histidine 169 with glutamine.
Molecular consequence: missense variant.
Genome position (GRCh38, 1-based): chr13:99,982,571, C>A. VCF-style: chr13-99982571-C-A. GRCh37 (hg19) VCF-style: chr13-100634825-C-A.
Other names: short protein forms H169Q.
Identifiers: ClinVar variation 1357156 (VCV001357156.8), dbSNP rs534770914, ClinGen allele CA388637441.